The following is an entry in ClinVar:

ClinVar aggregate classification (germline): Likely benign (1 of 4 stars; one submission).

Submission:

CeGaT Center for Human Genetics Tuebingen
Classification: Likely benign. Last evaluated: 2026-09-01. Review status: criteria provided, single submitter. Criteria: CeGaT Center For Human Genetics Tuebingen Variant Classification Criteria Version 2. Collection method: clinical testing. Allele origin: germline. Affected: yes. Observed: 12 variant alleles.
Comment: ARID1B: BS1

NM_001374828.1(ARID1B):c.141GGC[7] (p.Ala53_Pro54insAla)

Genes: ARID1B (AT-rich interaction domain 1B; plus strand), LOC115308161 (uncharacterized LOC115308161; minus strand). Cytogenetic location: 6q25.3.
Variant type: Microsatellite.
Coding change: c.141GGC[7] on transcript NM_001374828.1 (MANE Select); seven copies in a row of the 3-base unit GGC starting at c.141; the reference has six copies in a row; one copy, 3 bases duplicated.
Protein change: p.Ala53_Pro54insAla.
Molecular consequence: inframe insertion.
Genome position (GRCh38, 1-based): chr6:156,777,836-156,777,838, GGC duplicated; duplicating any 3 consecutive bases within chr6:156,777,819-156,777,838 gives the same sequence; the position shown is the placement nearest the transcript's 3' end. VCF-style (leftmost placement, unchanged base first): chr6-156777818-C-CGCG. GRCh37 (hg19) VCF-style: chr6-157098952-C-CGCG.
Other names: c.141GGC[7], p.Ala53_Pro54insAla (NM_001371656.1, NM_001374820.1, NM_017519.3).
Identifiers: ClinVar variation 2579011 (VCV002579011.25), dbSNP rs1046394316, ClinGen allele CA571627104.
Genomic context (GRCh38, chr6:156,777,818, plus strand): 5'-GGCGCCCCCCGGGCCGCGGCCGGCGCCCGGAGCCCGGGACCTGGAGGCGGGGGCGCGCGG[C>CGCG]GCGGCGGCGGCGGCGGCGGCACCGGGACCCATGCTGGGGGGCGGCGGCGACGGCGGCGGC-3'